The following is an entry in ClinVar:

ClinVar aggregate classification (germline): Uncertain significance (1 of 4 stars; one submission).

Conditions:
Hyper-IgE recurrent infection syndrome 1, autosomal dominant. Also called: HYPER-IgE SYNDROME 1, AUTOSOMAL DOMINANT, WITH RECURRENT INFECTIONS; JOB SYNDROME; Job's Syndrome; STAT3 Hyper IgE Syndrome; Hyper-IgE recurrent infection syndrome 1. Identifiers: Orphanet 2314, MedGen C2936739, MONDO:0007818, OMIM 147060.
STAT3 gain of function. Identifiers: MedGen C4288261.

Submission:

Labcorp Genetics (formerly Invitae), Labcorp
Classification: Uncertain significance for STAT3 gain of function; Hyper-IgE recurrent infection syndrome 1, autosomal dominant. Last evaluated: 2023-03-27. Review status: criteria provided, single submitter. Criteria: Invitae Variant Classification Sherloc (09022015). Collection method: clinical testing. Allele origin: unknown.
Comment: In summary, the available evidence is currently insufficient to determine the role of this variant in disease. Therefore, it has been classified as a Variant of Uncertain Significance. This variant has not been reported in the literature in individuals affected with STAT3-related conditions. This variant results in a copy number gain of the genomic region encompassing exon(s) 9-24 of the STAT3 gene. This region includes the termination codon of the gene. This copy number gain extends beyond the assayed region for this gene and therefore may encompass additional genes. As the precise location of this event is unknown, it may be in tandem or it may be located elsewhere in the genome.

NC_000017.10:g.(?_40467763)_(40486087_?)dup

Gene: STAT3 (signal transducer and activator of transcription 3; minus strand). Cytogenetic location: 17q21.2.
Variant type: Duplication.
Identifiers: ClinVar variation 3243110 (VCV003243110.1).